The following is an entry in ClinVar:

ClinVar aggregate classification (germline): Uncertain significance (1 of 4 stars; one submission).

Conditions:
Hereditary cancer-predisposing syndrome. Also called: Tumor predisposition; Neoplastic Syndromes, Hereditary; Hereditary neoplastic syndrome; Hereditary Cancer Syndrome. Identifiers: Orphanet 140162, MedGen C0027672, MeSH D009386, MONDO:0015356.

Submission:

Ambry Genetics
Classification: Uncertain significance for Hereditary cancer-predisposing syndrome. Last evaluated: 2025-09-01. Review status: criteria provided, single submitter. Criteria: Ambry Variant Classification Scheme 2023. Collection method: clinical testing. Allele origin: germline.
Comment: The p.Q261L variant (also known as c.782A>T), located in coding exon 8 of the MITF gene, results from an A to T substitution at nucleotide position 782. The glutamine at codon 261 is replaced by leucine, an amino acid with dissimilar properties. This amino acid position is conserved. In addition, this alteration is predicted to be deleterious by in silico analysis. Based on the available evidence, the clinical significance of this variant remains unclear.

NM_001354604.2(MITF):c.1103A>T (p.Gln368Leu)

Gene: MITF (melanocyte inducing transcription factor; plus strand). Cytogenetic location: 3p13.
Variant type: single nucleotide variant.
Coding change: c.1103A>T on transcript NM_001354604.2 (MANE Select); coding-DNA position 1103, A replaced by T.
Protein change: p.Gln368Leu; replaces glutamine 368 with leucine.
Molecular consequence: missense variant.
Genome position (GRCh38, 1-based): chr3:69,959,344, A>T. VCF-style: chr3-69959344-A-T. GRCh37 (hg19) VCF-style: chr3-70008495-A-T.
Other names: c.782A>T, p.Gln261Leu (NM_000248.4); c.929A>T, p.Gln310Leu (NM_001184967.2, NM_001354608.2); c.1100A>T, p.Gln367Leu (NM_001354605.2); c.1082A>T, p.Gln361Leu (NM_001354606.2, NM_006722.3); c.1034A>T, p.Gln345Leu (NM_001354607.2); c.764A>T, p.Gln255Leu (NM_198158.3); c.1085A>T, p.Gln362Leu (NM_198159.3); c.1037A>T, p.Gln346Leu (NM_198177.3); and 1 more; short protein forms Q345L, Q362L, Q255L, Q367L, Q199L, Q346L, Q361L, Q368L.
Identifiers: ClinVar variation 4108319 (VCV004108319.1).